The following is an entry in ClinVar:

ClinVar aggregate classification (germline): Uncertain significance. Review status: criteria provided, multiple submitters, no conflicts (2 of 4 stars). 2 submissions from 2 submitters: Uncertain significance (2). Last evaluated 2023-11-01.

Allele frequency attached by ClinVar (database versions not stated): TOPMed 0.00002.
gnomAD v4.1: 29 of 1,206,134 alleles (0.0024%); highest among the groups gnomAD compares: East Asian, 0.006%; no homozygotes.

Submissions (2):

CeGaT Center for Human Genetics Tuebingen
Classification: Uncertain significance. Last evaluated: 2023-11-01. Review status: criteria provided, single submitter. Criteria: CeGaT Center For Human Genetics Tuebingen Variant Classification Criteria Version 2. Collection method: clinical testing. Allele origin: germline. Affected: yes. Observed: 2 variant alleles.
Comment: FGD1: PP2, BP4

Eurofins Ntd Llc (ga)
Classification: Uncertain significance. Last evaluated: 2016-07-26. Review status: criteria provided, single submitter. Criteria: EGL Classification Definitions 2015. Collection method: clinical testing. Allele origin: germline. Observed: 2 variant alleles, 1 heterozygote, 1 hemizygote.

NM_004463.3(FGD1):c.898G>A (p.Val300Ile)

Gene: FGD1 (FYVE, RhoGEF and PH domain containing 1; minus strand). Cytogenetic location: Xp11.22.
Variant type: single nucleotide variant.
Coding change: c.898G>A on transcript NM_004463.3 (MANE Select); coding-DNA position 898, G replaced by A.
Protein change: p.Val300Ile; replaces valine 300 with isoleucine.
Molecular consequence: missense variant.
Genome position (GRCh38, 1-based): chrX:54,470,219, C>T on the plus strand (G>A on the coding strand, the complement: FGD1 is on the minus strand). VCF-style: chrX-54470219-C-T. GRCh37 (hg19) VCF-style: chrX-54496652-C-T.
Other names: short protein forms V300I.
Identifiers: ClinVar variation 95095 (VCV000095095.28), dbSNP rs398124165, ClinGen allele CA222727.
Genomic context (GRCh38, chrX:54,470,219, plus strand): 5'-CACTAGCCAGGGCAGGGGGCCCAGGGCAGAGGCTGTGGCTGGGGGGCCCGTCATCACTGA[C>T]GAAGCAGGTCTCCTCGCTGTTGGATGGCGAGCTGATGCTATCAATGCCGCTGTCCCGGTT-3'
Protein context (NP_004454.2, residues 290-310): SPSNSEETCF[Val300Ile]SDDGPPSHSL